The following is an entry in ClinVar:

NM_001363711.2(DUOX2):c.3848-2A>G

Gene: DUOX2 (dual oxidase 2; minus strand). Cytogenetic location: 15q21.1.
Variant type: single nucleotide variant.
Coding change: c.3848-2A>G on transcript NM_001363711.2 (MANE Select); the canonical splice acceptor site of the intron before coding-DNA position 3848, A replaced by G.
Molecular consequence: splice acceptor variant.
Genome position (GRCh38, 1-based): chr15:45,096,062, T>C on the plus strand (A>G on the coding strand, the complement: DUOX2 is on the minus strand). VCF-style: chr15-45096062-T-C. GRCh37 (hg19) VCF-style: chr15-45388260-T-C.
Other names: c.3848-2A>G (NM_014080.5).
Identifiers: ClinVar variation 1485062 (VCV001485062.8), dbSNP rs2141140456, ClinGen allele CA392254382.

ClinVar aggregate classification (germline): Likely pathogenic (1 of 4 stars; one submission).

Submission:

Labcorp Genetics (formerly Invitae), Labcorp
Classification: Likely pathogenic. Last evaluated: 2022-06-27. Review status: criteria provided, single submitter. Criteria: Invitae Variant Classification Sherloc (09022015). Collection method: clinical testing. Allele origin: germline.
Comment: This variant has not been reported in the literature in individuals affected with DUOX2-related conditions. This sequence change affects an acceptor splice site in intron 29 of the DUOX2 gene. It is expected to disrupt RNA splicing. Variants that disrupt the donor or acceptor splice site typically lead to a loss of protein function (PMID: 16199547), and loss-of-function variants in DUOX2 are known to be pathogenic (PMID: 12110737, 18765513, 21565790, 24423310, 24735383). This variant is not present in population databases (gnomAD no frequency). Algorithms developed to predict the effect of sequence changes on RNA splicing suggest that this variant may disrupt the consensus splice site. In summary, the currently available evidence indicates that the variant is pathogenic, but additional data are needed to prove that conclusively. Therefore, this variant has been classified as Likely Pathogenic.

Literature cited by the submitters: PubMed 16199547; PubMed 12110737; PubMed 18765513; PubMed 21565790; PubMed 24423310; PubMed 24735383.